The following is an entry in ClinVar:

NM_001375524.1(TRRAP):c.7524C>T (p.Ala2508=)

Gene: TRRAP (transformation/transcription domain associated protein; plus strand). Cytogenetic location: 7q22.1.
Variant type: single nucleotide variant.
Coding change: c.7524C>T on transcript NM_001375524.1 (MANE Select); coding-DNA position 7524, C replaced by T.
Protein change: p.Ala2508=; no amino-acid change (alanine 2508 retained).
Molecular consequence: synonymous variant.
Genome position (GRCh38, 1-based): chr7:98,970,123, C>T. VCF-style: chr7-98970123-C-T. GRCh37 (hg19) VCF-style: chr7-98567746-C-T.
Other names: c.7503C>T, p.Ala2501= (NM_001244580.2); c.7449C>T, p.Ala2483= (NM_003496.4).
Identifiers: ClinVar variation 750315 (VCV000750315.11), dbSNP rs201505951, ClinGen allele CA4361175.

ClinVar aggregate classification (germline): Likely benign. Review status: criteria provided, multiple submitters, no conflicts (2 of 4 stars). 3 submissions from 3 submitters: Likely benign (3). Last evaluated 2026-05-01.

Allele frequency attached by ClinVar (database versions not stated): gnomAD 0.00005 and 0.00007; TOPMed 0.00005; ExAC 0.00006; ESP Exome Variant Server 0.00008; 1000 Genomes Project 30x 0.00047; 1000 Genomes Project 0.00060.
gnomAD v4.1: 59 of 1,613,748 alleles (0.0037%); highest among the groups gnomAD compares: African/African-American, 0.032%; no homozygotes.

Submissions (3):

CeGaT Center for Human Genetics Tuebingen
Classification: Likely benign. Last evaluated: 2026-05-01. Review status: criteria provided, single submitter. Criteria: CeGaT Center For Human Genetics Tuebingen Variant Classification Criteria Version 2. Collection method: clinical testing. Allele origin: germline. Affected: yes. Observed: 1 variant allele.
Comment: TRRAP: BP4, BP7

Labcorp Genetics (formerly Invitae), Labcorp
Classification: Likely benign. Last evaluated: 2024-04-04. Review status: criteria provided, single submitter. Criteria: Invitae Variant Classification Sherloc (09022015). Collection method: clinical testing. Allele origin: germline.

Breakthrough Genomics
Classification: Likely benign. Review status: criteria provided, single submitter. Criteria: ACMG Guidelines, 2015. Collection method: not provided. Allele origin: germline. Inheritance: Autosomal dominant inheritance. Affected: yes.